The following is an entry in ClinVar:

NM_001232.4(CASQ2):c.748C>T (p.Arg250Cys)

Gene: CASQ2 (calsequestrin 2; minus strand). Cytogenetic location: 1p13.1.
Variant type: single nucleotide variant.
Coding change: c.748C>T on transcript NM_001232.4 (MANE Select); coding-DNA position 748, C replaced by T.
Protein change: p.Arg250Cys; replaces arginine 250 with cysteine.
Molecular consequence: missense variant.
Genome position (GRCh38, 1-based): chr1:115,725,543, G>A on the plus strand (C>T on the coding strand, the complement: CASQ2 is on the minus strand). VCF-style: chr1-115725543-G-A. GRCh37 (hg19) VCF-style: chr1-116268164-G-A.
Other names: short protein forms R250C.
Identifiers: ClinVar variation 572954 (VCV000572954.12), dbSNP rs151115064, ClinGen allele CA1023766.

ClinVar aggregate classification (germline): Conflicting classifications of pathogenicity. Review status: criteria provided, conflicting classifications (1 of 4 stars). 5 submissions from 5 submitters: Likely pathogenic (1); Uncertain significance (4). Last evaluated 2026-05-21.

Conditions:
Cardiovascular phenotype. Identifiers: MedGen CN230736.
Catecholaminergic polymorphic ventricular tachycardia 1. Also called: VENTRICULAR TACHYCARDIA, CATECHOLAMINERGIC POLYMORPHIC, 1, WITH OR WITHOUT ATRIAL DYSFUNCTION AND/OR DILATED CARDIOMYOPATHY; RYR2-Related Catecholaminergic Polymorphic Ventricular Tachycardia; VENTRICULAR TACHYCARDIA, STRESS-INDUCED POLYMORPHIC 1. Identifiers: Orphanet 3286, MedGen C1631597, MONDO:0011484, OMIM 604772.
Catecholaminergic polymorphic ventricular tachycardia 2. Also called: CASQ2-Related Catecholaminergic Polymorphic Ventricular Tachycardia; VENTRICULAR TACHYCARDIA, STRESS-INDUCED POLYMORPHIC 2. Identifiers: Orphanet 3286, MedGen C2677794, MONDO:0012762, OMIM 611938.
Sudden cardiac death (SCD). Also called: Sudden adult death syndrome. Identifiers: MedGen C0085298, MeSH D016757, HP:0001645.

Allele frequency attached by ClinVar (database versions not stated): ESP Exome Variant Server 0.00008; gnomAD 0.00008; gnomAD exomes 0.00005; ExAC 0.00005.

Submissions (5):

Clinical Genetics Laboratory, Skane University Hospital Lund
Classification: Uncertain significance for Sudden cardiac death. Last evaluated: 2026-05-21. Review status: criteria provided, single submitter. Criteria: ACMG Guidelines, 2015. Collection method: clinical testing. Allele origin: germline. Affected: yes.
Comment: CASQ2 (NM_001232.4) c.748C>T, p.(Arg250Cys) represents a nucleotide substitution in exon 7 of 11, resulting in the amino acid change noted above, which is predicted to be deleterious to protein function. CASQ2 c.748C>T has been described in the literature (PMID: 30600839 and PMID: 28404607), and is reported predominantly as a variant of uncertain significance (VUS) in the ClinVar database (Accession: VCV000572954.11). The variant has been reported to segregate with related symptoms in a Chinese family (PMID: 30600839). The variant has been classified as VUS based on the following ACMG criteria: PP1_Moderate, PP3, and PP4.

Ambry Genetics
Classification: Likely pathogenic for Cardiovascular phenotype. Last evaluated: 2025-01-09. Review status: criteria provided, single submitter. Criteria: Ambry Variant Classification Scheme 2023. Collection method: clinical testing. Allele origin: germline.
Comment: The p.R250C variant (also known as c.748C>T), located in coding exon 7 of the CASQ2 gene, results from a C to T substitution at nucleotide position 748. The arginine at codon 250 is replaced by cysteine, an amino acid with highly dissimilar properties. This variant has been identified in conjunction with another variant(s) in this same gene in individual(s) with features consistent with catecholaminergic polymorphic ventricular tachycardia (CPVT) and segregated with disease in at least one family (Gao L et al. Cardiol J, 2018;25:756-758). This amino acid position is highly conserved in available vertebrate species. In addition, this alteration is predicted to be deleterious by in silico analysis. Based on the majority of available evidence to date, this variant is likely to be pathogenic.

Labcorp Genetics (formerly Invitae), Labcorp
Classification: Uncertain significance for Catecholaminergic polymorphic ventricular tachycardia 1. Last evaluated: 2022-07-06. Review status: criteria provided, single submitter. Criteria: Invitae Variant Classification Sherloc (09022015). Collection method: clinical testing. Allele origin: germline.
Comment: This sequence change replaces arginine, which is basic and polar, with cysteine, which is neutral and slightly polar, at codon 250 of the CASQ2 protein (p.Arg250Cys). The frequency data for this variant in the population databases is considered unreliable, as metrics indicate poor data quality at this position in the gnomAD database. This missense change has been observed in individual(s) with catecholaminergic polymorphic ventricular tachycardia (PMID: 30600839). In at least one individual the data is consistent with being in trans (on the opposite chromosome) from a pathogenic variant. ClinVar contains an entry for this variant (Variation ID: 572954). Algorithms developed to predict the effect of missense changes on protein structure and function are either unavailable or do not agree on the potential impact of this missense change (SIFT: "Deleterious"; PolyPhen-2: "Probably Damaging"; Align-GVGD: "Class C15"). In summary, the available evidence is currently insufficient to determine the role of this variant in disease. Therefore, it has been classified as a Variant of Uncertain Significance.

Fulgent Genetics
Classification: Uncertain significance for Catecholaminergic polymorphic ventricular tachycardia 1; Catecholaminergic polymorphic ventricular tachycardia 2. Last evaluated: 2021-09-10. Review status: criteria provided, single submitter. Criteria: ACMG Guidelines, 2015. Collection method: clinical testing. Allele origin: unknown.

Breakthrough Genomics
Classification: Uncertain significance. Review status: criteria provided, single submitter. Criteria: ACMG Guidelines, 2015. Collection method: not provided. Allele origin: germline. Inheritance: Autosomal recessive inheritance. Affected: yes.

Literature cited by the submitters: PubMed 30600839 (cited by 3 submitters); PubMed 28404607 (cited by Clinical Genetics Laboratory, Skane University Hospital Lund and Ambry Genetics).